The following is an entry in ClinVar:

ClinVar aggregate classification (germline): Likely benign (1 of 4 stars; one submission).

Submission:

CeGaT Center for Human Genetics Tuebingen
Classification: Likely benign. Last evaluated: 2024-11-01. Review status: criteria provided, single submitter. Criteria: CeGaT Center For Human Genetics Tuebingen Variant Classification Criteria Version 2. Collection method: clinical testing. Allele origin: germline. Affected: yes. Observed: 1 variant allele.
Comment: CEP120: BP4, BP7

NM_001375405.1(CEP120):c.1965T>G (p.Leu655=)

Gene: CEP120 (centrosomal protein 120; minus strand). Cytogenetic location: 5q23.2.
Variant type: single nucleotide variant.
Coding change: c.1965T>G on transcript NM_001375405.1 (MANE Select); coding-DNA position 1965, T replaced by G.
Protein change: p.Leu655=; no amino-acid change (leucine 655 retained).
Molecular consequence: synonymous variant. On other transcripts: non-coding transcript variant (1).
Genome position (GRCh38, 1-based): chr5:123,382,785, A>C on the plus strand (T>G on the coding strand, the complement: CEP120 is on the minus strand). VCF-style: chr5-123382785-A-C. GRCh37 (hg19) VCF-style: chr5-122718479-A-C.
Other names: c.1887T>G, p.Leu629= (NM_001166226.2); c.1830T>G, p.Leu610= (NM_001375406.1); c.1965T>G, p.Leu655= (NM_001375407.1, NM_153223.4); c.1392T>G, p.Leu464= (NM_001375408.1, NM_001375409.1).
Identifiers: ClinVar variation 3389214 (VCV003389214.14).